The following is an entry in ClinVar:

ClinVar aggregate classification (germline): Likely pathogenic (0 of 4 stars; one submission).

Submission:

Genetic Services Laboratory, University of Chicago
Classification: Likely pathogenic. Last evaluated: 2022-11-29. Review status: no assertion criteria provided. Collection method: clinical testing. Allele origin: germline. Affected: yes.
Comment: DNA sequence analysis of the POT1 gene demonstrated a sequence change in the canonical splice donor site of intron 5, c.9+1G>C. This sequence change does not appear to have been previously described in individuals with POT1-related disorders and has also not been described in population databases such as ExAC and gnomAD. This sequence change is predicted to affect normal splicing of the POT1 gene, and specifically the exon that contains the translation start site. Rescue of translation at the next in-frame methione at codon 132 is expected to disrupt the oligonucleotide binding 1 (OB1) domain, which facilitates binding to ssDNA critical for POT1 and TPP1 dimerization (PMID: 23502782, 25934589), however functional studies have not been performed to prove this conclusively. Other loss-of-function variants in POT1 have been reported to be pathogenic (PMID: 32155570). These collective evidences indicate that this sequence change is likely pathogenic but functional studies are necessary to prove this conclusively.

NM_015450.3(POT1):c.9+1G>C

Gene: POT1 (protection of telomeres 1; minus strand). Cytogenetic location: 7q31.33.
Variant type: single nucleotide variant.
Coding change: c.9+1G>C on transcript NM_015450.3 (MANE Select); the canonical splice donor site of the intron after coding-DNA position 9, G replaced by C.
Molecular consequence: splice donor variant.
Genome position (GRCh38, 1-based): chr7:124,897,164, C>G on the plus strand (G>C on the coding strand, the complement: POT1 is on the minus strand). VCF-style: chr7-124897164-C-G. GRCh37 (hg19) VCF-style: chr7-124537218-C-G.
Other names: c.-254+1G>C (NM_001042594.2).
Identifiers: ClinVar variation 2443224 (VCV002443224.2), dbSNP rs2485575117, ClinGen allele CA369066357.
Genomic context (GRCh38, chr7:124,897,164, plus strand): 5'-ATGTGTGTGGCATATACAGGTATAGGTGTAATACTCTAAATTAAACTGAATATCATCTTA[C>G]CAAAGACATTGATTCTGTAGAAAAATCTCTTAAAGATTTGACATAAACCTGAAGGAAAAA-3'